The following is an entry in ClinVar:

NM_017849.4(TMEM127):c.196C>T (p.Leu66=)

Gene: TMEM127 (transmembrane protein 127; minus strand). Cytogenetic location: 2q11.2.
Variant type: single nucleotide variant.
Coding change: c.196C>T on transcript NM_017849.4 (MANE Select); coding-DNA position 196, C replaced by T.
Protein change: p.Leu66=; no amino-acid change (leucine 66 retained).
Molecular consequence: synonymous variant.
Genome position (GRCh38, 1-based): chr2:96,265,186, G>A on the plus strand (C>T on the coding strand, the complement: TMEM127 is on the minus strand). VCF-style: chr2-96265186-G-A. GRCh37 (hg19) VCF-style: chr2-96930924-G-A.
Other names: c.196C>T, p.Leu66= (NM_001193304.3).
Identifiers: ClinVar variation 760933 (VCV000760933.12), dbSNP rs1211097710, ClinGen allele CA427496300.

ClinVar aggregate classification (germline): Benign/Likely benign. Review status: criteria provided, multiple submitters, no conflicts (2 of 4 stars). 3 submissions from 3 submitters: Benign (1); Likely benign (2). Last evaluated 2026-07-29.

Conditions:
Hereditary pheochromocytoma and paraganglioma. Also called: Hereditary pheochromocytoma-paraganglioma; Hereditary paragangliomas and pheochromocytomas; Hereditary Paraganglioma-Pheochromocytoma Syndromes. Identifiers: Orphanet 29072, MedGen C4274332, MONDO:0017366.
Hereditary cancer-predisposing syndrome. Also called: Hereditary neoplastic syndrome; Neoplastic Syndromes, Hereditary; Tumor predisposition; Hereditary Cancer Syndrome. Identifiers: Orphanet 140162, MedGen C0027672, MeSH D009386, MONDO:0015356.

Allele frequency attached by ClinVar (database versions not stated): gnomAD exomes below 0.00001.
gnomAD v4.1: 6 of 1,610,134 alleles (0.00037%); highest among the groups gnomAD compares: East Asian, 0.0022%; no homozygotes.

Submissions (3):

Myriad Genetics, Inc.
Classification: Benign for Hereditary pheochromocytoma and paraganglioma. Last evaluated: 2026-07-29. Review status: criteria provided, single submitter. Criteria: Myriad Autosomal Dominant, Autosomal Recessive and X-Linked Classification Criteria (2023). Collection method: clinical testing. Allele origin: unknown.
Comment: This variant is considered benign. This variant is a silent/synonymous amino acid change and it is not expected to impact splicing.

Ambry Genetics
Classification: Likely benign for Hereditary cancer-predisposing syndrome. Last evaluated: 2025-10-11. Review status: criteria provided, single submitter. Criteria: Ambry Variant Classification Scheme 2023. Collection method: clinical testing. Allele origin: germline.

Labcorp Genetics (formerly Invitae), Labcorp
Classification: Likely benign for Hereditary pheochromocytoma and paraganglioma. Last evaluated: 2019-05-24. Review status: criteria provided, single submitter. Criteria: Invitae Variant Classification Sherloc (09022015). Collection method: clinical testing. Allele origin: germline.